The following is an entry in ClinVar:

NM_000059.4(BRCA2):c.1910-1G>T

Gene: BRCA2 (BRCA2 DNA repair associated; plus strand). Cytogenetic location: 13q13.1.
Variant type: single nucleotide variant.
Coding change: c.1910-1G>T on transcript NM_000059.4 (MANE Select); the canonical splice acceptor site of the intron before coding-DNA position 1910, G replaced by T.
Molecular consequence: splice acceptor variant. On other transcripts: intron variant (2).
Genome position (GRCh38, 1-based): chr13:32,336,264, G>T. VCF-style: chr13-32336264-G-T. GRCh37 (hg19) VCF-style: chr13-32910401-G-T.
Other names: c.1910-1G>T (NM_001406720.1, NM_001406719.1); c.1909+2877G>T (NM_001406721.1); c.424+5234G>T (NM_001406722.1).
Identifiers: ClinVar variation 619800 (VCV000619800.16), dbSNP rs1566225769, ClinGen allele CA387768197.

ClinVar aggregate classification (germline): Pathogenic/Likely pathogenic. Review status: criteria provided, multiple submitters, no conflicts (2 of 4 stars). 5 submissions from 5 submitters: Pathogenic (2); Likely pathogenic (3). Last evaluated 2025-08-06.

Conditions:
Hereditary breast ovarian cancer syndrome. Also called: Hereditary breast and ovarian cancer; Hereditary breast and ovarian cancer syndrome (HBOC); Hereditary breast and/or ovarian cancer syndrome; Hereditary breast and ovarian cancer syndrome; Breast and ovarian cancer; BRCA1- and BRCA2-Associated Hereditary Breast and Ovarian Cancer. Identifiers: Orphanet 145, MedGen C0677776, MeSH D061325, MONDO:0003582. Disease mechanism: loss of function.
Breast-ovarian cancer, familial, susceptibility to, 2 (BROVCA2). Also called: BRCA2 Hereditary Breast and Ovarian Cancer. Identifiers: Orphanet 145, MedGen C2675520, MONDO:0012933, OMIM 612555. Disease mechanism: loss of function.
Hereditary cancer-predisposing syndrome. Also called: Tumor predisposition; Neoplastic Syndromes, Hereditary; Hereditary Cancer Syndrome; Hereditary neoplastic syndrome. Identifiers: Orphanet 140162, MedGen C0027672, MeSH D009386, MONDO:0015356.

Submissions (5):

Labcorp Genetics (formerly Invitae), Labcorp
Classification: Pathogenic for Hereditary breast ovarian cancer syndrome. Last evaluated: 2025-08-06. Review status: criteria provided, single submitter. Criteria: Invitae Variant Classification Sherloc (09022015). Collection method: clinical testing. Allele origin: germline.
Comment: This sequence change affects an acceptor splice site in intron 10 of the BRCA2 gene. It is expected to disrupt RNA splicing. Variants that disrupt the donor or acceptor splice site typically lead to a loss of protein function (PMID: 16199547), and loss-of-function variants in BRCA2 are known to be pathogenic (PMID: 20104584). This variant is not present in population databases (gnomAD no frequency). Disruption of this splice site has been observed in individual(s) with clinical features of hereditary breast and ovarian cancer syndrome and/or Fanconi anemia (PMID: 31825140; internal data). In at least one individual the data is consistent with being in trans (on the opposite chromosome) from a pathogenic variant. ClinVar contains an entry for this variant (Variation ID: 619800). Algorithms developed to predict the effect of sequence changes on RNA splicing suggest that this variant may disrupt the consensus splice site. For these reasons, this variant has been classified as Pathogenic.

All of Us Research Program, National Institutes of Health
Classification: Likely pathogenic for Breast-ovarian cancer, familial, susceptibility to, 2. Last evaluated: 2023-09-18. Review status: criteria provided, single submitter. Criteria: ACMG Guidelines, 2015. Collection method: clinical testing. Allele origin: germline. Inheritance: Autosomal dominant inheritance. Observed: 1 variant allele, 1 heterozygote.
Comment: This variant causes a G to T nucleotide substitution at the -1 position of intron 10 of the BRCA2 gene. Splice site prediction tools predict that this variant may have a significant impact on RNA splicing. Although functional RNA studies have not been reported for this variant, it is expected to result in an absent or non-functional protein product. This variant has not been reported in individuals affected with hereditary cancer in the literature. This variant has not been identified in the general population by the Genome Aggregation Database (gnomAD). Loss of BRCA2 function is a known mechanism of disease. Based on the available evidence, this variant is classified as Likely Pathogenic.

This study involves interpretation of variants in research participants for the purpose of population health screening. Participant phenotype was not available at the time of variant classification. Additional details can be found in publication PMID: 35346344, PMCID: PMC8962531

Color Diagnostics, LLC DBA Color Health
Classification: Likely pathogenic for Hereditary cancer-predisposing syndrome. Last evaluated: 2023-07-26. Review status: criteria provided, single submitter. Criteria: ACMG Guidelines, 2015. Collection method: clinical testing. Allele origin: germline.
Comment: This variant causes a G to T nucleotide substitution at the -1 position of intron 10 of the BRCA2 gene. Splice site prediction tools predict that this variant may have a significant impact on RNA splicing. Although functional RNA studies have not been reported for this variant, it is expected to result in an absent or non-functional protein product. This variant has not been reported in individuals affected with hereditary cancer in the literature. This variant has not been identified in the general population by the Genome Aggregation Database (gnomAD). Loss of BRCA2 function is a known mechanism of disease. Based on the available evidence, this variant is classified as Likely Pathogenic.

Women's Health and Genetics/Laboratory Corporation of America, LabCorp
Classification: Likely pathogenic for Hereditary breast ovarian cancer syndrome. Last evaluated: 2022-02-07. Review status: criteria provided, single submitter. Criteria: LabCorp Variant Classification Summary - May 2015. Collection method: clinical testing. Allele origin: germline.
Comment: Variant summary: BRCA2 c.1910-1G>T is located in a canonical splice-site and is predicted to affect mRNA splicing resulting in a significantly altered protein due to either exon skipping, shortening, or inclusion of intronic material. Several computational tools predict a significant impact on normal splicing: Four predict the variant abolishes a 3 prime acceptor site. However, these predictions have yet to be confirmed by functional studies. The variant was absent in 237664 control chromosomes (gnomAD). To our knowledge, no occurrence of c.1910-1G>T in individuals affected with Hereditary Breast And Ovarian Cancer Syndrome and no experimental evidence demonstrating its impact on protein function have been reported. Three clinical diagnostic laboratories have submitted clinical-significance assessments for this variant to ClinVar after 2014 and classified the variant as pathogenic (n=1) and likely pathogenic (n=2). Based on the evidence outlined above, the variant was classified as likely pathogenic.

Quest Diagnostics Nichols Institute San Juan Capistrano
Classification: Pathogenic. Last evaluated: 2018-06-12. Review status: criteria provided, single submitter. Criteria: Quest Diagnostics criteria. Collection method: clinical testing. Allele origin: germline.

Literature cited by the submitters: PubMed 16199547 (cited by Labcorp Genetics (formerly Invitae), Labcorp); PubMed 20104584 (cited by Labcorp Genetics (formerly Invitae), Labcorp); PubMed 31825140 (cited by Labcorp Genetics (formerly Invitae), Labcorp).